The following is an entry in ClinVar:

ClinVar aggregate classification (germline): Uncertain significance (1 of 4 stars; one submission).

Conditions:
Hereditary cancer-predisposing syndrome. Also called: Neoplastic Syndromes, Hereditary; Tumor predisposition; Hereditary neoplastic syndrome; Hereditary Cancer Syndrome. Identifiers: Orphanet 140162, MedGen C0027672, MeSH D009386, MONDO:0015356.

Submission:

Ambry Genetics
Classification: Uncertain significance for Hereditary cancer-predisposing syndrome. Last evaluated: 2026-07-06. Review status: criteria provided, single submitter. Criteria: Ambry Variant Classification Scheme 2023. Collection method: clinical testing. Allele origin: germline.
Comment: The p.L1110F variant (also known as c.3330A>T), located in coding exon 24 of the MSH3 gene, results from an A to T substitution at nucleotide position 3330. The leucine at codon 1110 is replaced by phenylalanine, an amino acid with highly similar properties. This amino acid position is conserved. In addition, this alteration is predicted to be tolerated by in silico analysis. Based on the available evidence, the clinical significance of this variant remains unclear.

NM_002439.5(MSH3):c.3330A>T (p.Leu1110Phe)

Gene: MSH3 (mutS homolog 3; plus strand). Cytogenetic location: 5q14.1.
Variant type: single nucleotide variant.
Coding change: c.3330A>T on transcript NM_002439.5 (MANE Select); coding-DNA position 3330, A replaced by T.
Protein change: p.Leu1110Phe; replaces leucine 1110 with phenylalanine.
Molecular consequence: missense variant.
Genome position (GRCh38, 1-based): chr5:80,875,778, A>T. VCF-style: chr5-80875778-A-T. GRCh37 (hg19) VCF-style: chr5-80171597-A-T.
Other names: short protein forms L1110F.
Identifiers: ClinVar variation 5024767 (VCV005024767.1).
Genomic context (GRCh38, chr5:80,875,778, plus strand): 5'-TTATTAAATAAGTAGTATTTGATTTTTCCCCAGAAAGAGACTCAAGTATTTTGCAAAGTT[A>T]TGGACGATGCATAATGCACAAGACCTGCAGAAGTGGACAGAGGAGTTCAACATGGAAGAA-3'
Protein context (NP_002430.3, residues 1100-1120): KRKRLKYFAK[Leu1110Phe]WTMHNAQDLQ